The following is an entry in ClinVar:

ClinVar aggregate classification (germline): Uncertain significance (1 of 4 stars; one submission).

Conditions:
Mucopolysaccharidosis, MPS-IV-B (MPS4B). Also called: Mucopolysaccharidosis type IV B; Mucopolysaccharidosis Type IVB; Mucopolysaccharidosis type IVB (Morquio); MPS IVB; MORQUIO SYNDROME B; Mucopolysaccharidosis Type IVB (Morquio B Disease). Identifiers: Orphanet 309310, Orphanet 582, MedGen C0086652, MONDO:0009660, OMIM 253010.
GM1 gangliosidosis. Identifiers: Orphanet 354, MedGen C0085131, MONDO:0018149.

Allele frequency attached by ClinVar (database versions not stated): gnomAD exomes below 0.00001; TOPMed below 0.00001; gnomAD 0.00001.
gnomAD v4.1: 4 of 1,614,048 alleles (0.00025%); highest among the groups gnomAD compares: Non-Finnish European, 0.00025%; no homozygotes.

Submission:

Labcorp Genetics (formerly Invitae), Labcorp
Classification: Uncertain significance for Mucopolysaccharidosis, MPS-IV-B; GM1 gangliosidosis. Last evaluated: 2022-07-01. Review status: criteria provided, single submitter. Criteria: Invitae Variant Classification Sherloc (09022015). Collection method: clinical testing. Allele origin: germline.
Comment: This sequence change replaces proline, which is neutral and non-polar, with serine, which is neutral and polar, at codon 513 of the GLB1 protein (p.Pro513Ser). This variant is not present in population databases (gnomAD no frequency). This variant has not been reported in the literature in individuals affected with GLB1-related conditions. Algorithms developed to predict the effect of missense changes on protein structure and function are either unavailable or do not agree on the potential impact of this missense change (SIFT: "Tolerated"; PolyPhen-2: "Possibly Damaging"; Align-GVGD: "Class C0"). In summary, the available evidence is currently insufficient to determine the role of this variant in disease. Therefore, it has been classified as a Variant of Uncertain Significance.

NM_000404.4(GLB1):c.1537C>T (p.Pro513Ser)

Gene: GLB1 (galactosidase beta 1; minus strand). Cytogenetic location: 3p22.3.
Variant type: single nucleotide variant.
Coding change: c.1537C>T on transcript NM_000404.4 (MANE Select); coding-DNA position 1537, C replaced by T.
Protein change: p.Pro513Ser; replaces proline 513 with serine.
Molecular consequence: missense variant.
Genome position (GRCh38, 1-based): chr3:33,014,253, G>A on the plus strand (C>T on the coding strand, the complement: GLB1 is on the minus strand). VCF-style: chr3-33014253-G-A. GRCh37 (hg19) VCF-style: chr3-33055745-G-A.
Other names: c.1144C>T, p.Pro382Ser (NM_001135602.3); c.1681C>T, p.Pro561Ser (NM_001317040.2); c.1537C>T, p.Pro513Ser (NM_001393580.1); c.1447C>T, p.Pro483Ser (NM_001079811.3); short protein forms P513S, P382S, P483S, P561S.
Identifiers: ClinVar variation 2151807 (VCV002151807.1), dbSNP rs1459678748, ClinGen allele CA351986464.